The following is an entry in ClinVar:

ClinVar aggregate classification (germline): Likely pathogenic (1 of 4 stars; one submission).

Conditions:
Fabry disease. Also called: ALPHA-GALACTOSIDASE A DEFICIENCY; ANDERSON-FABRY DISEASE; CERAMIDE TRIHEXOSIDASE DEFICIENCY; GLA DEFICIENCY; HEREDITARY DYSTOPIC LIPIDOSIS; Fabry's disease. Identifiers: Orphanet 324, MedGen C0002986, MONDO:0010526, OMIM 301500, HP:0001071. Disease mechanism: loss of function, Fabry disease is due to inactivating mutations in the X-linked GLA gene resulting in deficiency of the enzyme Alpha Galactosidase-A..

Submission:

Women's Health and Genetics/Laboratory Corporation of America, LabCorp
Classification: Likely pathogenic for Fabry disease. Last evaluated: 2019-08-06. Review status: criteria provided, single submitter. Criteria: LabCorp Variant Classification Summary - May 2015. Collection method: clinical testing. Allele origin: germline.
Comment: Variant summary: GLA c.620_630delinsCACT (p.Tyr207SerfsX31) results in a premature termination codon, predicted to cause a truncation of the encoded protein or absence of the protein due to nonsense mediated decay, which are commonly known mechanisms for disease. Truncations downstream of this position have been classified as pathogenic by our laboratory. The variant was absent in 179766 control chromosomes (gnomAD). To our knowledge, no occurrence of c.620_630delinsCACT in individuals affected with Fabry Disease and no experimental evidence demonstrating its impact on protein function have been reported. No clinical diagnostic laboratories have submitted clinical-significance assessments for this variant to ClinVar after 2014. Based on the evidence outlined above, the variant was classified as likely pathogenic.

NM_000169.3(GLA):c.620_630delinsCACT (p.Tyr207fs)

Genes: GLA (galactosidase alpha; minus strand), RPL36A-HNRNPH2 (RPL36A-HNRNPH2 readthrough; plus strand). Cytogenetic location: Xq22.1.
Variant type: Indel.
Coding change: c.620_630delinsCACT on transcript NM_000169.3 (MANE Select); coding-DNA positions 620 to 630, ATATGTGGCCC replaced by CACT.
Protein change: p.Tyr207fs; shifts the reading frame from tyrosine 207.
Molecular consequence: frameshift variant. On other transcripts: non-coding transcript variant (2), intron variant (2).
Genome position (GRCh38, 1-based): chrX:101,400,675-101,400,685, GGGCCACATAT replaced by AGTG on the plus strand (ATATGTGGCCC replaced by CACT on the coding strand, the reverse complement: GLA is on the minus strand). VCF-style: chrX-101400675-GGGCCACATAT-AGTG. GRCh37 (hg19) VCF-style: chrX-100655663-GGGCCACATAT-AGTG.
Other names: c.620_630delATATGTGGCCCinsCACT, p.Tyr207Serfs (NM_000169.2); c.743_753delinsCACT, p.Tyr248fs (NM_001406747.1); c.620_630delinsCACT, p.Tyr207fs (NM_001406748.1); c.300+5218_300+5228delinsAGTG (NM_001199973.2); c.177+8853_177+8863delinsAGTG (NM_001199974.2); short protein forms Y207fs, Y248fs.
Identifiers: ClinVar variation 928735 (VCV000928735.1), dbSNP rs1928279286, ClinGen allele CA1139667724.
Genomic context (GRCh38, chrX:101,400,675, plus strand): 5'-AAGTTCTATCTATCAGTACAGTTCTATTGGATTCTGGGCTCACTATCTCACCTTTTGAAA[GGGCCACATAT>AGTG]AAAGAGGCCACTCACAGGAGTACACAATGCTTCTGCCAGTCCTATTCAGGGCCAAGGACA-3'